The following is an entry in ClinVar:

NM_014391.3(ANKRD1):c.571del (p.His191fs)

Gene: ANKRD1 (ankyrin repeat domain 1; minus strand). Cytogenetic location: 10q23.31.
Variant type: Deletion.
Coding change: c.571del on transcript NM_014391.3 (MANE Select); coding-DNA position 571, one base deleted (C; older notation c.571delC).
Protein change: p.His191fs; shifts the reading frame from histidine 191.
Molecular consequence: frameshift variant.
Genome position (GRCh38, 1-based): chr10:90,916,251, G deleted on the plus strand (C on the coding strand, the reverse complement: ANKRD1 is on the minus strand); the first of 2 consecutive G bases (chr10:90,916,251-90,916,252); deleting either gives the same sequence. VCF-style (leftmost placement, unchanged base first): chr10-90916250-TG-T. GRCh37 (hg19) VCF-style: chr10-92676007-TG-T.
Other names: short protein forms H191fs.
Identifiers: ClinVar variation 1016343 (VCV001016343.6), dbSNP rs1847373157, ClinGen allele CA1927498961.

ClinVar aggregate classification (germline): Uncertain significance (1 of 4 stars; one submission).

Conditions:
ANKRD1-related dilated cardiomyopathy. Identifiers: MedGen CN119551.

Submission:

Labcorp Genetics (formerly Invitae), Labcorp
Classification: Uncertain significance for ANKRD1-related dilated cardiomyopathy. Last evaluated: 2020-03-20. Review status: criteria provided, single submitter. Criteria: Invitae Variant Classification Sherloc (09022015). Collection method: clinical testing. Allele origin: germline.
Comment: This variant is not present in population databases (ExAC no frequency). In summary, the available evidence is currently insufficient to determine the role of this variant in disease. Therefore, it has been classified as a Variant of Uncertain Significance. The current clinical and genetic evidence is not sufficient to establish whether loss-of-function variants in ANKRD1 cause disease. This variant has not been reported in the literature in individuals with ANKRD1-related conditions. This sequence change creates a premature translational stop signal (p.His191Thrfs*12) in the ANKRD1 gene. It is expected to result in an absent or disrupted protein product.